The following is an entry in ClinVar:

NM_002471.4(MYH6):c.2790T>A (p.Asp930Glu)

Gene: MYH6 (myosin heavy chain 6; minus strand). Cytogenetic location: 14q11.2.
Variant type: single nucleotide variant.
Coding change: c.2790T>A on transcript NM_002471.4 (MANE Select); coding-DNA position 2790, T replaced by A.
Protein change: p.Asp930Glu; replaces aspartic acid 930 with glutamic acid.
Molecular consequence: missense variant.
Genome position (GRCh38, 1-based): chr14:23,393,804, A>T on the plus strand (T>A on the coding strand, the complement: MYH6 is on the minus strand). VCF-style: chr14-23393804-A-T. GRCh37 (hg19) VCF-style: chr14-23863013-A-T.
Other names: short protein forms D930E.
Identifiers: ClinVar variation 1796049 (VCV001796049.4), dbSNP rs934343235, ClinGen allele CA257787109.

ClinVar aggregate classification (germline): Uncertain significance. Review status: criteria provided, multiple submitters, no conflicts (2 of 4 stars). 2 submissions from 2 submitters: Uncertain significance (2). Last evaluated 2024-11-14.

Conditions:
Cardiovascular phenotype. Identifiers: MedGen CN230736.

Allele frequency attached by ClinVar (database versions not stated): gnomAD 0.00001; TOPMed 0.00001.
gnomAD v4.1: 1 of 1,613,870 alleles (0.000062%); highest among the groups gnomAD compares: African/African-American, 0.0013%; no homozygotes.

Submissions (2):

Ambry Genetics
Classification: Uncertain significance for Cardiovascular phenotype. Last evaluated: 2024-11-14. Review status: criteria provided, single submitter. Criteria: Ambry Variant Classification Scheme 2023. Collection method: clinical testing. Allele origin: germline.

GeneDx
Classification: Uncertain significance. Last evaluated: 2022-06-09. Review status: criteria provided, single submitter. Criteria: GeneDx Variant Classification Process June 2021. Collection method: clinical testing. Allele origin: germline. Affected: yes.
Comment: Not observed at significant frequency in large population cohorts (gnomAD); In silico analysis supports that this missense variant does not alter protein structure/function; Has not been previously published as pathogenic or benign to our knowledge